The following is an entry in ClinVar:

NM_004006.3(DMD):c.4328A>G (p.Gln1443Arg)

Gene: DMD (dystrophin; minus strand). Cytogenetic location: Xp21.1.
Variant type: single nucleotide variant.
Coding change: c.4328A>G on transcript NM_004006.3 (MANE Select); coding-DNA position 4328, A replaced by G.
Protein change: p.Gln1443Arg; replaces glutamine 1443 with arginine.
Molecular consequence: missense variant.
Genome position (GRCh38, 1-based): chrX:32,390,087, T>C on the plus strand (A>G on the coding strand, the complement: DMD is on the minus strand). VCF-style: chrX-32390087-T-C. GRCh37 (hg19) VCF-style: chrX-32408204-T-C.
Other names: c.4304A>G, p.Gln1435Arg (NM_000109.4); c.4316A>G, p.Gln1439Arg (NM_004009.3); c.3959A>G, p.Gln1320Arg (NM_004010.3); c.305A>G, p.Gln102Arg (NM_004011.4); c.296A>G, p.Gln99Arg (NM_004012.4); c.4328A>G (NM_004006.2); short protein forms Q1320R, Q99R, Q102R, Q1435R, Q1443R, Q1439R.
Identifiers: ClinVar variation 1368512 (VCV001368512.8), dbSNP rs749903671, ClinGen allele CA10378987.

ClinVar aggregate classification (germline): Uncertain significance. Review status: criteria provided, single submitter (1 of 4 stars). 2 submissions from 2 submitters: Uncertain significance (1). 1 of the submissions does not count toward it. Last evaluated 2025-11-19.

Conditions:
DMD-related disorder. Also called: DMD-related condition.
Duchenne muscular dystrophy (DMD). Also called: MUSCULAR DYSTROPHY, PSEUDOHYPERTROPHIC PROGRESSIVE, DUCHENNE TYPE; Duchenne Muscular Dystrophy (DMD). Identifiers: Orphanet 98896, MedGen C0013264, MONDO:0010679, OMIM 310200.

Allele frequency attached by ClinVar (database versions not stated): ExAC 0.00001; gnomAD 0.00001; gnomAD exomes 0.00001; TOPMed 0.00001.
gnomAD v4.1: 9 of 1,205,571 alleles (0.00075%); highest among the groups gnomAD compares: Admixed American, 0.013%; no homozygotes.

Submissions (2):

Labcorp Genetics (formerly Invitae), Labcorp
Classification: Uncertain significance for Duchenne muscular dystrophy. Last evaluated: 2025-11-19. Review status: criteria provided, single submitter. Criteria: Invitae Variant Classification Sherloc (09022015). Collection method: clinical testing. Allele origin: germline.
Comment: This sequence change replaces glutamine, which is neutral and polar, with arginine, which is basic and polar, at codon 1443 of the DMD protein (p.Gln1443Arg). This variant is present in population databases (rs749903671, gnomAD 0.008%). This missense change has been observed in individual(s) with clinical features of DMD-related conditions (PMID: 25447171). ClinVar contains an entry for this variant (Variation ID: 1368512). Invitae Evidence Modeling of protein sequence and biophysical properties (such as structural, functional, and spatial information, amino acid conservation, physicochemical variation, residue mobility, and thermodynamic stability) indicates that this missense variant is not expected to disrupt DMD protein function with a negative predictive value of 95%. In summary, the available evidence is currently insufficient to determine the role of this variant in disease. Therefore, it has been classified as a Variant of Uncertain Significance.

PreventionGenetics, part of Exact Sciences
Classification: Uncertain significance for DMD-related condition. Last evaluated: 2024-01-19. Review status: no assertion criteria provided. Collection method: clinical testing. Allele origin: germline. Not counted in ClinVar's aggregate classification.
Comment: The DMD c.4328A>G variant is predicted to result in the amino acid substitution p.Gln1443Arg. This variant is reported in 0.0073% of alleles in individuals of Latino descent in gnomAD. At this time, the clinical significance of this variant is uncertain due to the absence of conclusive functional and genetic evidence.

Literature cited by the submitters: PubMed 25447171 (cited by Labcorp Genetics (formerly Invitae), Labcorp).